The following is an entry in ClinVar:

ClinVar aggregate classification (germline): Conflicting classifications of pathogenicity. Review status: criteria provided, conflicting classifications (1 of 4 stars). 2 submissions from 2 submitters: Likely pathogenic (1); Uncertain significance (1). Last evaluated 2024-09-29.

Conditions:
Classic homocystinuria. Also called: Homocystinuria due to CBS deficiency; Cystathionine beta-synthase deficiency; CBS deficiency; HOMOCYSTINURIA WITH OR WITHOUT RESPONSE TO PYRIDOXINE; Homocystinuria due to Cystathionine Beta-Synthase Deficiency. Identifiers: Orphanet 394, MedGen C0751202, MONDO:0009352, OMIM 236200.
HYPERHOMOCYSTEINEMIA, THROMBOTIC, CBS-RELATED. Identifiers: MedGen C3150344, OMIM 236200.

Submissions (2):

Natera, Inc.
Classification: Likely pathogenic for Homocystinuria due to cystathionine beta-synthase deficiency. Last evaluated: 2024-09-29. Review status: criteria provided, single submitter. Criteria: Natera Variant Classification Schema (03/2026). Collection method: clinical testing. Allele origin: germline.
Comment: The c.1576C>A variant in CBS is a missense variant predicted to cause substitution of glutamine to lysine at amino acid 526. This variant is rare in the general population with a frequency below the threshold expected for the associated phenotype(s). This variant has been observed in one or more individuals affected with the associated recessive disease, as either homozygous or compound heterozygous with a second variant (PMID: 14635102). This variant has been identified in one or more affected individual with a phenotype highly consistent with the associated gene (PMID: 14635102). Functional studies show that this variant may disrupt protein function (PMID: 14635102). Multiple computational prediction algorithms suggest this variant is unlikely to affect gene or protein function. Given the available evidence, this variant is classified as Likely Pathogenic.

Labcorp Genetics (formerly Invitae), Labcorp
Classification: Uncertain significance for HYPERHOMOCYSTEINEMIA, THROMBOTIC, CBS-RELATED. Last evaluated: 2021-09-01. Review status: criteria provided, single submitter. Criteria: Invitae Variant Classification Sherloc (09022015). Collection method: clinical testing. Allele origin: germline.
Comment: This sequence change replaces glutamine with lysine at codon 526 of the CBS protein (p.Gln526Lys). The glutamine residue is weakly conserved and there is a small physicochemical difference between glutamine and lysine. This variant is not present in population databases (ExAC no frequency). This missense change has been observed in individual(s) with a positive newborn screening result for CBS-related disease (PMID: 14635102). Algorithms developed to predict the effect of missense changes on protein structure and function output the following: SIFT: "Tolerated"; PolyPhen-2: "Benign"; Align-GVGD: "Class C0". The lysine amino acid residue is found in multiple mammalian species, which suggests that this missense change does not adversely affect protein function. Experimental studies have shown that this missense change affects CBS function (PMID: 14635102, 22267502). In summary, the available evidence is currently insufficient to determine the role of this variant in disease. Therefore, it has been classified as a Variant of Uncertain Significance.

Literature cited by the submitters: PubMed 14635102 (cited by Natera, Inc. and Labcorp Genetics (formerly Invitae), Labcorp); PubMed 22267502 (cited by Labcorp Genetics (formerly Invitae), Labcorp).

NM_000071.3(CBS):c.1576C>A (p.Gln526Lys)

Gene: CBS (cystathionine beta-synthase; minus strand). Cytogenetic location: 21q22.3.
Variant type: single nucleotide variant.
Coding change: c.1576C>A on transcript NM_000071.3 (MANE Select); coding-DNA position 1576, C replaced by A.
Protein change: p.Gln526Lys; replaces glutamine 526 with lysine.
Molecular consequence: missense variant.
Genome position (GRCh38, 1-based): chr21:43,053,960, G>T on the plus strand (C>A on the coding strand, the complement: CBS is on the minus strand). VCF-style: chr21-43053960-G-T. GRCh37 (hg19) VCF-style: chr21-44474070-G-T.
Other names: c.1576C>A, p.Gln526Lys (NM_001178008.3, NM_001178009.3, NM_001320298.2); c.1261C>A, p.Gln421Lys (NM_001321072.1); short protein forms Q526K, Q421K.
Identifiers: ClinVar variation 861524 (VCV000861524.9), dbSNP rs1555869958, ClinGen allele CA410394842.